The following is an entry in ClinVar:

ClinVar aggregate classification (germline): Uncertain significance. Review status: criteria provided, multiple submitters, no conflicts (2 of 4 stars). 2 submissions from 2 submitters: Uncertain significance (2). Last evaluated 2025-07-08.

Conditions:
Inborn genetic diseases. Identifiers: MedGen C0950123, MeSH D030342.
OTOGL-related disorder. Also called: OTOGL-related condition.

gnomAD v4.1: 10 of 1,613,418 alleles (0.00062%); highest among the groups gnomAD compares: Admixed American, 0.01%; no homozygotes.

Submissions (2):

PreventionGenetics, part of Exact Sciences
Classification: Uncertain significance for OTOGL-related condition. Last evaluated: 2025-07-08. Review status: criteria provided, single submitter. Criteria: ACMG Guidelines, 2015. Collection method: clinical testing. Allele origin: germline.
Comment: The OTOGL c.2320G>C variant is predicted to result in the amino acid substitution p.Glu774Gln. To our knowledge, this variant has not been reported in the literature. This variant is reported in 0.015% of alleles in individuals of Latino descent in gnomAD. At this time, the clinical significance of this variant is uncertain due to the absence of conclusive functional and genetic evidence.

Ambry Genetics
Classification: Uncertain significance for Inborn genetic diseases. Last evaluated: 2024-04-15. Review status: criteria provided, single submitter. Criteria: Ambry Variant Classification Scheme 2023. Collection method: clinical testing. Allele origin: germline.

NM_001378609.3(OTOGL):c.2347G>C (p.Glu783Gln)

Gene: OTOGL (otogelin like; plus strand). Cytogenetic location: 12q21.31.
Variant type: single nucleotide variant.
Coding change: c.2347G>C on transcript NM_001378609.3 (MANE Select); coding-DNA position 2347, G replaced by C.
Protein change: p.Glu783Gln; replaces glutamic acid 783 with glutamine.
Molecular consequence: missense variant.
Genome position (GRCh38, 1-based): chr12:80,266,573, G>C. VCF-style: chr12-80266573-G-C. GRCh37 (hg19) VCF-style: chr12-80660353-G-C.
Other names: c.2347G>C, p.Glu783Gln (NM_001368062.3, NM_001378610.3, NM_173591.7); short protein forms E783Q.
Identifiers: ClinVar variation 3303641 (VCV003303641.2).